The following is an entry in ClinVar:

ClinVar aggregate classification (germline): Likely benign. Review status: criteria provided, multiple submitters, no conflicts (2 of 4 stars). 3 submissions from 3 submitters: Likely benign (3). Last evaluated 2026-01-26.

Conditions:
Multiple endocrine neoplasia type 2A. Also called: MULTIPLE ENDOCRINE NEOPLASIA, TYPE IIA; PTC SYNDROME; SIPPLE SYNDROME; MEN 2A; MEN-2A syndrome; Pheochromocytoma and amyloid producing medullary thyroid carcinoma. Identifiers: Orphanet 247698, Orphanet 653, MedGen C0025268, MeSH D018813, MONDO:0008234, OMIM 171400.
Multiple endocrine neoplasia, type 2 (MEN2). Identifiers: Orphanet 653, MedGen C4048306, MONDO:0019003. Disease mechanism: gain of function.

Allele frequency attached by ClinVar (database versions not stated): gnomAD exomes 0.00001; gnomAD 0.00007 and 0.00009; TOPMed 0.00009.
gnomAD v4.1: 23 of 1,605,128 alleles (0.0014%); highest among the groups gnomAD compares: African/African-American, 0.029%; no homozygotes.

Submissions (3):

Labcorp Genetics (formerly Invitae), Labcorp
Classification: Likely benign for Multiple endocrine neoplasia, type 2. Last evaluated: 2026-01-26. Review status: criteria provided, single submitter. Criteria: Invitae Variant Classification Sherloc (09022015). Collection method: clinical testing. Allele origin: germline.

Color Diagnostics, LLC DBA Color Health
Classification: Likely benign for Multiple endocrine neoplasia, type 2. Last evaluated: 2025-08-04. Review status: criteria provided, single submitter. Criteria: ACMG Guidelines, 2015. Collection method: clinical testing. Allele origin: germline.

Myriad Genetics, Inc.
Classification: Likely benign for Multiple endocrine neoplasia type 2A. Last evaluated: 2024-08-09. Review status: criteria provided, single submitter. Criteria: Myriad Autosomal Dominant, Autosomal Recessive and X-Linked Classification Criteria (2023). Collection method: clinical testing. Allele origin: unknown.
Comment: This variant is considered likely benign. This variant is intronic and is not expected to impact mRNA splicing. This variant has been observed at a population frequency that is significantly greater than expected given the associated disease prevalence and penetrance.

NM_020975.6(RET):c.1880-13C>A

Gene: RET (ret proto-oncogene; plus strand). Cytogenetic location: 10q11.21.
Variant type: single nucleotide variant.
Coding change: c.1880-13C>A on transcript NM_020975.6 (MANE Select); 13 bases into the intron before coding-DNA position 1880, C replaced by A.
Molecular consequence: intron variant.
Genome position (GRCh38, 1-based): chr10:43,114,467, C>A. VCF-style: chr10-43114467-C-A. GRCh37 (hg19) VCF-style: chr10-43609915-C-A.
Other names: c.1880-13C>A (NM_020630.7, NM_001406743.1, NM_001406744.1 and 2 more transcripts); c.1880-148C>A (NM_001406765.1, NM_001406763.1); c.1484-13C>A (NM_001406772.1, NM_001406769.1); c.1442-13C>A (NM_001406773.1, NM_001406771.1); c.983-13C>A (NM_001406782.1, NM_001406780.1, NM_001406779.1 and 1 more transcripts); c.983-148C>A (NM_001406787.1); c.863-13C>A (NM_001406785.1); c.1751-13C>A (NM_001406764.1, NM_001406762.1, NM_001406761.1); and 10 more.
Identifiers: ClinVar variation 1534816 (VCV001534816.10), dbSNP rs948277023, ClinGen allele CA206262775.